The following is an entry in ClinVar:

ClinVar aggregate classification (germline): Uncertain significance. Review status: criteria provided, multiple submitters, no conflicts (2 of 4 stars). 2 submissions from 2 submitters: Uncertain significance (2). Last evaluated 2024-12-13.

Conditions:
Hereditary cancer-predisposing syndrome. Also called: Neoplastic Syndromes, Hereditary; Hereditary Cancer Syndrome; Hereditary neoplastic syndrome; Tumor predisposition. Identifiers: Orphanet 140162, MedGen C0027672, MeSH D009386, MONDO:0015356.
Mitochondrial complex II deficiency, nuclear type 1. Also called: SUCCINATE CoQ REDUCTASE DEFICIENCY. Identifiers: Orphanet 3208, MedGen C5700310, MONDO:0100294, OMIM 252011.
Pheochromocytoma/paraganglioma syndrome 5. Also called: Paragangliomas 5; SDHA-Related Hereditary Paraganglioma-Pheochromocytoma Syndrome. Identifiers: Orphanet 29072, MedGen C3279992, MONDO:0013602, OMIM 614165.

Submissions (2):

Ambry Genetics
Classification: Uncertain significance for Hereditary cancer-predisposing syndrome. Last evaluated: 2024-12-13. Review status: criteria provided, single submitter. Criteria: Ambry Variant Classification Scheme 2023. Collection method: clinical testing. Allele origin: germline.
Comment: The p.S81F variant (also known as c.242C>T), located in coding exon 3 of the SDHA gene, results from a C to T substitution at nucleotide position 242. The serine at codon 81 is replaced by phenylalanine, an amino acid with highly dissimilar properties. This amino acid position is highly conserved in available vertebrate species. In addition, this alteration is predicted to be deleterious by in silico analysis. Based on the available evidence, the clinical significance of this variant remains unclear.

Labcorp Genetics (formerly Invitae), Labcorp
Classification: Uncertain significance for Pheochromocytoma/paraganglioma syndrome 5; Mitochondrial complex II deficiency, nuclear type 1. Last evaluated: 2017-04-11. Review status: criteria provided, single submitter. Criteria: Invitae Variant Classification Sherloc (09022015). Collection method: clinical testing. Allele origin: germline.
Comment: In summary, this variant is a novel missense change with uncertain impact on protein function. It has been classified as a Variant of Uncertain Significance. Algorithms developed to predict the effect of missense changes on protein structure and function do not agree on the potential impact of this missense change (SIFT: "Deleterious"; PolyPhen-2: "Probably Damaging"; Align-GVGD: "Class C15"). This variant is not present in population databases (ExAC no frequency) and has not been reported in the literature in individuals with a SDHA-related disease. This sequence change replaces serine with phenylalanine at codon 81 of the SDHA protein (p.Ser81Phe). The serine residue is highly conserved and there is a large physicochemical difference between serine and phenylalanine.

NM_004168.4(SDHA):c.242C>T (p.Ser81Phe)

Gene: SDHA (succinate dehydrogenase complex flavoprotein subunit A; plus strand). Cytogenetic location: 5p15.33.
Variant type: single nucleotide variant.
Coding change: c.242C>T on transcript NM_004168.4 (MANE Select); coding-DNA position 242, C replaced by T.
Protein change: p.Ser81Phe; replaces serine 81 with phenylalanine.
Molecular consequence: missense variant.
Genome position (GRCh38, 1-based): chr5:224,451, C>T. VCF-style: chr5-224451-C-T. GRCh37 (hg19) VCF-style: chr5-224566-C-T.
Other names: c.242C>T (NM_004168.2); c.242C>T, p.Ser81Phe (NM_001294332.2, NM_001330758.2); short protein forms S81F.
Identifiers: ClinVar variation 472380 (VCV000472380.10), dbSNP rs1553997357, ClinGen allele CA359008555.